The following is an entry in ClinVar:

NM_015330.6(SPECC1L):c.1894C>A (p.His632Asn)

Genes: SPECC1L (sperm antigen with calponin homology and coiled-coil domains 1 like; plus strand), SPECC1L-ADORA2A (SPECC1L-ADORA2A readthrough (NMD candidate); plus strand). Cytogenetic location: 22q11.23.
Variant type: single nucleotide variant.
Coding change: c.1894C>A on transcript NM_015330.6 (MANE Select); coding-DNA position 1894, C replaced by A.
Protein change: p.His632Asn; replaces histidine 632 with asparagine.
Molecular consequence: missense variant. On other transcripts: non-coding transcript variant (1).
Genome position (GRCh38, 1-based): chr22:24,322,874, C>A. VCF-style: chr22-24322874-C-A. GRCh37 (hg19) VCF-style: chr22-24718842-C-A.
Other names: c.1894C>A (NM_015330.2); c.1894C>A, p.His632Asn (NM_001145468.4, NM_001254732.3); short protein forms H632N.
Identifiers: ClinVar variation 2672899 (VCV002672899.25), dbSNP rs1428489706, ClinGen allele CA410972477.

ClinVar aggregate classification (germline): Conflicting classifications of pathogenicity. Review status: criteria provided, conflicting classifications (1 of 4 stars). 3 submissions from 3 submitters: Uncertain significance (2); Likely benign (1). Last evaluated 2025-11-20.

Conditions:
Inborn genetic diseases. Identifiers: MedGen C0950123, MeSH D030342.

Allele frequency attached by ClinVar (database versions not stated): gnomAD 0.00001; TOPMed 0.00001.
gnomAD v4.1: 6 of 1,613,632 alleles (0.00037%); highest among the groups gnomAD compares: Non-Finnish European, 0.00051%; no homozygotes.

Submissions (3):

Ambry Genetics
Classification: Uncertain significance for Inborn genetic diseases. Last evaluated: 2025-11-20. Review status: criteria provided, single submitter. Criteria: Ambry Variant Classification Scheme 2023. Collection method: clinical testing. Allele origin: germline.

Labcorp Genetics (formerly Invitae), Labcorp
Classification: Uncertain significance. Last evaluated: 2024-10-17. Review status: criteria provided, single submitter. Criteria: Invitae Variant Classification Sherloc (09022015). Collection method: clinical testing. Allele origin: germline.
Comment: This sequence change replaces histidine, which is basic and polar, with asparagine, which is neutral and polar, at codon 632 of the SPECC1L protein (p.His632Asn). This variant is present in population databases (no rsID available, gnomAD 0.0009%). This variant has not been reported in the literature in individuals affected with SPECC1L-related conditions. Invitae Evidence Modeling of protein sequence and biophysical properties (such as structural, functional, and spatial information, amino acid conservation, physicochemical variation, residue mobility, and thermodynamic stability) indicates that this missense variant is expected to disrupt SPECC1L protein function with a positive predictive value of 80%. In summary, the available evidence is currently insufficient to determine the role of this variant in disease. Therefore, it has been classified as a Variant of Uncertain Significance.

CeGaT Center for Human Genetics Tuebingen
Classification: Likely benign. Last evaluated: 2023-11-01. Review status: criteria provided, single submitter. Criteria: CeGaT Center For Human Genetics Tuebingen Variant Classification Criteria Version 2. Collection method: clinical testing. Allele origin: germline. Affected: yes. Observed: 1 variant allele.
Comment: SPECC1L: BP4